The following is an entry in ClinVar:

ClinVar aggregate classification (germline): Uncertain significance (1 of 4 stars; one submission).

Conditions:
Atrial fibrillation, familial, 11 (ATFB11). Identifiers: MedGen C3279693, MONDO:0013544, OMIM 614049.
Atrial standstill 1 (ATRST1). Also called: Atrial standstill, digenic (GJA5/SCN5A); ATRIAL CARDIOMYOPATHY WITH HEART BLOCK; CARDIOMYOPATHY, FAMILIAL, WITH CONDUCTION DISTURBANCE. Identifiers: Orphanet 1344, MedGen C4551959, MONDO:0007171, OMIM 108770.

Submission:

Labcorp Genetics (formerly Invitae), Labcorp
Classification: Uncertain significance for Atrial fibrillation, familial, 11; Atrial standstill 1. Last evaluated: 2023-09-13. Review status: criteria provided, single submitter. Criteria: Invitae Variant Classification Sherloc (09022015). Collection method: clinical testing. Allele origin: germline.
Comment: This variant is present in population databases (no rsID available, gnomAD 0.007%). This sequence change replaces valine, which is neutral and non-polar, with alanine, which is neutral and non-polar, at codon 91 of the GJA5 protein (p.Val91Ala). This variant has not been reported in the literature in individuals affected with GJA5-related conditions. Advanced modeling of protein sequence and biophysical properties (such as structural, functional, and spatial information, amino acid conservation, physicochemical variation, residue mobility, and thermodynamic stability) performed at Invitae indicates that this missense variant is not expected to disrupt GJA5 protein function. In summary, the available evidence is currently insufficient to determine the role of this variant in disease. Therefore, it has been classified as a Variant of Uncertain Significance.

NM_181703.4(GJA5):c.272T>C (p.Val91Ala)

Gene: GJA5 (gap junction protein alpha 5; minus strand). Cytogenetic location: 1q21.2.
Variant type: single nucleotide variant.
Coding change: c.272T>C on transcript NM_181703.4 (MANE Select); coding-DNA position 272, T replaced by C.
Protein change: p.Val91Ala; replaces valine 91 with alanine.
Molecular consequence: missense variant.
Genome position (GRCh38, 1-based): chr1:147,758,967, A>G on the plus strand (T>C on the coding strand, the complement: GJA5 is on the minus strand). VCF-style: chr1-147758967-A-G. GRCh37 (hg19) VCF-style: chr1-147231075-A-G.
Other names: c.272T>C, p.Val91Ala (NM_005266.7); short protein forms V91A.
Identifiers: ClinVar variation 2943176 (VCV002943176.3), dbSNP rs1018708274, ClinGen allele CA30069129.